The following is an entry in ClinVar:

NM_017934.7(PHIP):c.5280dup (p.Gly1761fs)

Genes: IRAK1BP1 (interleukin 1 receptor associated kinase 1 binding protein 1; plus strand), PHIP (PHIP subunit of CUL4-Ring ligase complex; minus strand). Cytogenetic location: 6q14.1.
Variant type: Duplication.
Coding change: c.5280dup on transcript NM_017934.7 (MANE Select); coding-DNA position 5280, one base duplicated (A; older notation c.5280dupA).
Protein change: p.Gly1761fs; shifts the reading frame from glycine 1761.
Molecular consequence: frameshift variant.
Genome position (GRCh38, 1-based): chr6:78,940,879, T duplicated on the plus strand (A on the coding strand, the reverse complement: PHIP is on the minus strand); the first of 3 consecutive T bases (chr6:78,940,879-78,940,881); duplicating any one gives the same sequence. VCF-style (leftmost placement, unchanged base first): chr6-78940878-C-CT. GRCh37 (hg19) VCF-style: chr6-79650595-C-CT.
Other names: short protein forms G1761fs.
Identifiers: ClinVar variation 4135812 (VCV004135812.1).
Genomic context (GRCh38, chr6:78,940,878, plus strand): 5'-CCTCATTATAGAAAGCTGTCCTTCGACCTTGATTTCTAGTTCTCATGTGGGGTTCAGAGC[C>CT]TTTGAGTTCTTCAAACTCTTCTTCCTCATCTATAGGATCATCTATCTTTTTTCGGTTACT-3'

ClinVar aggregate classification (germline): Uncertain significance (1 of 4 stars; one submission).

Conditions:
Inborn genetic diseases. Identifiers: MedGen C0950123, MeSH D030342.

Submission:

Ambry Genetics
Classification: Uncertain significance for Inborn genetic diseases. Last evaluated: 2025-07-21. Review status: criteria provided, single submitter. Criteria: Ambry Variant Classification Scheme 2023. Collection method: clinical testing. Allele origin: germline.
Comment: The c.5280dupA (p.G1761Rfs*3) alteration, located in exon 40 (coding exon 40) of the PHIP gene, consists of a duplication of A at position 5280, causing a translational frameshift with a predicted alternate stop codon after 3 amino acids. This variant is not expected to trigger nonsense-mediated mRNA decay, and impacts the last 3% of the protein. The exact functional effect of this alteration is unknown. This variant was not reported in population-based cohorts in the Genome Aggregation Database (gnomAD). Based on insufficient or conflicting evidence, the clinical significance of this alteration remains unclear.